The following is an entry in ClinVar:

NM_001145358.2(SIN3A):c.3735_3737delinsGAG (p.Cys1245_Thr1246delinsTrpSer)

Gene: SIN3A (SIN3 transcription regulator family member A; minus strand). Cytogenetic location: 15q24.2.
Variant type: Indel.
Coding change: c.3735_3737delinsGAG on transcript NM_001145358.2 (MANE Select); coding-DNA positions 3735 to 3737, TAC replaced by GAG.
Protein change: p.Cys1245_Thr1246delinsTrpSer.
Molecular consequence: missense variant.
Genome position (GRCh38, 1-based): chr15:75,372,064-75,372,066, GTA replaced by CTC on the plus strand (TAC replaced by GAG on the coding strand, the reverse complement: SIN3A is on the minus strand). VCF-style: chr15-75372064-GTA-CTC. GRCh37 (hg19) VCF-style: chr15-75664405-GTA-CTC.
Other names: c.3735_3737delinsGAG, p.Cys1245_Thr1246delinsTrpSer (NM_001145357.2, NM_001437462.1, NM_001437463.1 and 1 more transcripts).
Identifiers: ClinVar variation 4756059 (VCV004756059.1).

ClinVar aggregate classification (germline): Uncertain significance (1 of 4 stars; one submission).

Submission:

GeneDx
Classification: Uncertain significance. Last evaluated: 2025-08-05. Review status: criteria provided, single submitter. Criteria: GeneDx Variant Classification Process June 2021. Collection method: clinical testing. Allele origin: germline. Affected: yes.
Comment: In-frame deletion of 2 amino acid(s) and insertion of 2 different amino acid(s) in a non-repeat region; Not observed at significant frequency in large population cohorts (gnomAD); In silico analysis supports a deleterious effect on protein structure/function; Has not been previously published as pathogenic or benign to our knowledge